The following is an entry in ClinVar:

ClinVar aggregate classification (germline): Benign. Review status: criteria provided, single submitter (1 of 4 stars). 3 submissions from 1 submitter: Benign (3). Last evaluated 2018-01-13.

Conditions:
Myhre syndrome (MYHRS). Also called: LARYNGOTRACHEAL STENOSIS, ARTHROPATHY, PROGNATHISM, AND SHORT STATURE; LAPS SYNDROME. Identifiers: Orphanet 2588, MedGen C0796081, MONDO:0007688, OMIM 139210.
Generalized juvenile polyposis/juvenile polyposis coli. Also called: Juvenile polyposis coli. Identifiers: Orphanet 329971, MedGen C1868081, MONDO:0008276.
Juvenile polyposis/hereditary hemorrhagic telangiectasia syndrome (JPHT). Also called: JP/HHT SYNDROME; JUVENILE POLYPOSIS WITH HEREDITARY HEMORRHAGIC TELANGIECTASIA; POLYPOSIS, GENERALIZED JUVENILE, WITH PULMONARY ARTERIOVENOUS MALFORMATION; TELANGIECTASIA, HEREDITARY HEMORRHAGIC, WITH JUVENILE POLYPOSIS COLI; Juvenile Polyposis Syndrome / Hereditary Hemorrhagic Telangiectasia (JPS/HHT). Identifiers: Orphanet 2929, MedGen C1832942, MONDO:0008278, OMIM 175050.

Allele frequency attached by ClinVar (database versions not stated): gnomAD 0.00002 and 0.00075; TOPMed 0.00015; gnomAD exomes 0.00042; 1000 Genomes Project 30x 0.00453; 1000 Genomes Project 0.00479.
gnomAD v4.1: 145 of 227,784 alleles (0.064%); highest among the groups gnomAD compares: South Asian, 2.4%; 5 homozygotes.

Submissions (3):

Illumina Laboratory Services, Illumina
Classification: Benign for Juvenile polyposis syndrome. Last evaluated: 2018-01-13. Review status: criteria provided, single submitter. Criteria: ICSL Variant Classification Criteria 13 December 2019. Collection method: clinical testing. Allele origin: germline.
Comment: This variant was observed in the ICSL laboratory as part of a predisposition screen in an ostensibly healthy population. It had not been previously curated by ICSL or reported in the Human Gene Mutation Database (HGMD: prior to June 1st, 2018), and was therefore a candidate for classification through an automated scoring system. Utilizing variant allele frequency, disease prevalence and penetrance estimates, and inheritance mode, an automated score was calculated to assess if this variant is too frequent to cause the disease. Based on the score and internal cut-off values, a variant classified as benign is not then subjected to further curation. The score for this variant resulted in a classification of benign for this disease.

Illumina Laboratory Services, Illumina
Classification: Benign for Juvenile polyposis/hereditary hemorrhagic telangiectasia syndrome. Last evaluated: 2018-01-13. Review status: criteria provided, single submitter. Criteria: ICSL Variant Classification Criteria 13 December 2019. Collection method: clinical testing. Allele origin: germline.
Comment: the same text as in the submission from Illumina Laboratory Services, Illumina above.

Illumina Laboratory Services, Illumina
Classification: Benign for Myhre syndrome. Last evaluated: 2018-01-13. Review status: criteria provided, single submitter. Criteria: ICSL Variant Classification Criteria 13 December 2019. Collection method: clinical testing. Allele origin: germline.
Comment: the same text as in the submission from Illumina Laboratory Services, Illumina above.

NM_005359.6(SMAD4):c.*5080A>G

Gene: SMAD4 (SMAD family member 4; plus strand). Cytogenetic location: 18q21.2.
Variant type: single nucleotide variant.
Coding change: c.*5080A>G on transcript NM_005359.6 (MANE Select); 5080 bases downstream of the stop codon, A replaced by G.
Molecular consequence: 3 prime UTR variant.
Genome position (GRCh38, 1-based): chr18:51,083,547, A>G. VCF-style: chr18-51083547-A-G. GRCh37 (hg19) VCF-style: chr18-48609917-A-G.
Identifiers: ClinVar variation 327172 (VCV000327172.5), dbSNP rs532965680, ClinGen allele CA10641682.